The following is an entry in ClinVar:

GRCh37/hg19 2q36.3(chr2:228230759-228234864)

Gene: TM4SF20 (transmembrane 4 L six family member 20; minus strand). Cytogenetic location: 2q36.3.
Variant type: copy number loss.
Identifiers: ClinVar variation 625778 (VCV000625778.1).

ClinVar aggregate classification (germline): Pathogenic (1 of 4 stars; one submission).

Submission:

Baylor Genetics
Classification: Pathogenic. Last evaluated: 2018-11-01. Review status: criteria provided, single submitter. Criteria: ACMG CNV Guidelines, 2011. Collection method: clinical testing. Allele origin: germline. Affected: yes. Observed: 1 variant allele.
Comment: Deletions involving this region have been previously reported in patients with early language delay and cerebral white matter hyperintensities [PMID:23810381]